The following is an entry in ClinVar:

ClinVar aggregate classification (germline): Uncertain significance (1 of 4 stars; one submission).

Submission:

Labcorp Genetics (formerly Invitae), Labcorp
Classification: Uncertain significance. Last evaluated: 2021-06-28. Review status: criteria provided, single submitter. Criteria: Invitae Variant Classification Sherloc (09022015). Collection method: clinical testing. Allele origin: germline.
Comment: This sequence change replaces threonine with isoleucine at codon 345 of the SEPT9 protein (p.Thr345Ile). The threonine residue is highly conserved and there is a moderate physicochemical difference between threonine and isoleucine. This variant is not present in population databases (ExAC no frequency). This variant has not been reported in the literature in individuals with SEPT9-related conditions. Algorithms developed to predict the effect of missense changes on protein structure and function (SIFT, PolyPhen-2, Align-GVGD) all suggest that this variant is likely to be disruptive, but these predictions have not been confirmed by published functional studies and their clinical significance is uncertain. In summary, the available evidence is currently insufficient to determine the role of this variant in disease. Therefore, it has been classified as a Variant of Uncertain Significance.

NM_001113491.2(SEPTIN9):c.1088C>T (p.Thr363Ile)

Gene: SEPTIN9 (septin 9; plus strand). Cytogenetic location: 17q25.3.
Variant type: single nucleotide variant.
Coding change: c.1088C>T on transcript NM_001113491.2 (MANE Select); coding-DNA position 1088, C replaced by T.
Protein change: p.Thr363Ile; replaces threonine 363 with isoleucine.
Molecular consequence: missense variant.
Genome position (GRCh38, 1-based): chr17:77,488,285, C>T. VCF-style: chr17-77488285-C-T. GRCh37 (hg19) VCF-style: chr17-75484367-C-T.
Other names: c.596C>T, p.Thr199Ile (NM_001113492.2, NM_001113494.1); c.1067C>T, p.Thr356Ile (NM_001113493.2); c.335C>T, p.Thr112Ile (NM_001113495.2, NM_001113496.2, NM_001293697.2 and 1 more transcripts); c.1031C>T, p.Thr344Ile (NM_001293695.2); c.416C>T, p.Thr139Ile (NM_001293696.2); c.1034C>T, p.Thr345Ile (NM_006640.5); short protein forms T112I, T139I, T199I, T344I, T345I, T356I, T363I.
Identifiers: ClinVar variation 1682642 (VCV001682642.7), dbSNP rs2143350362, ClinGen allele CA401208969.